The following is an entry in ClinVar:

NM_173660.5(DOK7):c.412C>A (p.Leu138Ile)

Gene: DOK7 (docking protein 7; plus strand). Cytogenetic location: 4p16.3.
Variant type: single nucleotide variant.
Coding change: c.412C>A on transcript NM_173660.5 (MANE Select); coding-DNA position 412, C replaced by A.
Protein change: p.Leu138Ile; replaces leucine 138 with isoleucine.
Molecular consequence: missense variant. On other transcripts: intron variant (1).
Genome position (GRCh38, 1-based): chr4:3,476,422, C>A. VCF-style: chr4-3476422-C-A. GRCh37 (hg19) VCF-style: chr4-3478149-C-A.
Other names: c.412C>A, p.Leu138Ile (NM_001164673.2, NM_001301071.2); c.101-9117C>A (NM_001363811.2); short protein forms L138I.
Identifiers: ClinVar variation 950663 (VCV000950663.8), dbSNP rs747942116, ClinGen allele CA2828992.
Genomic context (GRCh38, chr4:3,476,422, plus strand): 5'-GTGGCTCCAGGCACCAAGTTGGAGAGCGGCCCGGCTACCCTGCACCTCTGCAATGATGTC[C>A]TCGTCTTGGCCAGGGACATCCCCCCGGCTGTCACGGGGCAGTGGAAGCTGTCTGACCTCC-3'
Protein context (NP_775931.3, residues 128-148): PATLHLCNDV[Leu138Ile]VLARDIPPAV

ClinVar aggregate classification (germline): Uncertain significance. Review status: criteria provided, multiple submitters, no conflicts (2 of 4 stars). 2 submissions from 2 submitters: Uncertain significance (2). Last evaluated 2025-08-13.

Conditions:
Fetal akinesia deformation sequence 1 (FADS1). Also called: Fetal akinesia sequence; Pena-Shokeir syndrome type I. Identifiers: Orphanet 994, MedGen C1276035, MONDO:0100101, OMIM 208150, HP:0001989.
Congenital myasthenic syndrome 10. Also called: Myasthenia, limb-girdle, familial. Identifiers: Orphanet 590, MedGen C1850792, MONDO:0009690, OMIM 254300.

Allele frequency attached by ClinVar (database versions not stated): gnomAD exomes below 0.00001 and 0.00001; ExAC 0.00001; gnomAD 0.00001; TOPMed 0.00003.
gnomAD v4.1: 14 of 1,613,402 alleles (0.00087%); highest among the groups gnomAD compares: African/African-American, 0.0013%; no homozygotes.

Submissions (2):

GeneDx
Classification: Uncertain significance. Last evaluated: 2025-08-13. Review status: criteria provided, single submitter. Criteria: GeneDx Variant Classification Process June 2021. Collection method: clinical testing. Allele origin: germline. Affected: yes.
Comment: Not observed at significant frequency in large population cohorts (gnomAD); In silico analysis suggests that this missense variant does not alter protein structure/function; Has not been previously published as pathogenic or benign to our knowledge; This variant is associated with the following publications: (PMID: 26198629, 20603078, 20012313)

Labcorp Genetics (formerly Invitae), Labcorp
Classification: Uncertain significance for Congenital myasthenic syndrome 10; Fetal akinesia deformation sequence 1. Last evaluated: 2021-08-24. Review status: criteria provided, single submitter. Criteria: Invitae Variant Classification Sherloc (09022015). Collection method: clinical testing. Allele origin: germline.
Comment: This sequence change replaces leucine with isoleucine at codon 138 of the DOK7 protein (p.Leu138Ile). The leucine residue is highly conserved and there is a small physicochemical difference between leucine and isoleucine. This variant is present in population databases (rs747942116, ExAC 0.01%). This variant has not been reported in the literature in individuals affected with DOK7-related conditions. Algorithms developed to predict the effect of missense changes on protein structure and function are either unavailable or do not agree on the potential impact of this missense change (SIFT: "Deleterious"; PolyPhen-2: "Probably Damaging"; Align-GVGD: "Class C0"). In summary, the available evidence is currently insufficient to determine the role of this variant in disease. Therefore, it has been classified as a Variant of Uncertain Significance.